The following is an entry in ClinVar:

NM_004329.3(BMPR1A):c.467T>A (p.Leu156Ter)

Gene: BMPR1A (bone morphogenetic protein receptor type 1A; plus strand). Cytogenetic location: 10q23.2.
Variant type: single nucleotide variant.
Coding change: c.467T>A on transcript NM_004329.3 (MANE Select); coding-DNA position 467, T replaced by A.
Protein change: p.Leu156Ter; replaces leucine 156 with a stop codon.
Molecular consequence: nonsense. On other transcripts: non-coding transcript variant (3), intron variant (1).
Genome position (GRCh38, 1-based): chr10:86,900,063, T>A. VCF-style: chr10-86900063-T-A. GRCh37 (hg19) VCF-style: chr10-88659820-T-A.
Other names: c.467T>A, p.Leu156Ter (NM_001406559.1, NM_001406570.1, NM_001406571.1 and 22 more transcripts); c.333+7834T>A (NM_001406589.1); c.383T>A, p.Leu128Ter (NM_001406584.1, NM_001406585.1, NM_001406586.1 and 2 more transcripts); short protein forms L156*, L128*.
Identifiers: ClinVar variation 4719946 (VCV004719946.1).

ClinVar aggregate classification (germline): Pathogenic (1 of 4 stars; one submission).

Conditions:
Juvenile polyposis syndrome (JPS). Identifiers: Orphanet 2929, MedGen C0345893, MONDO:0017380, OMIM 174900.

Submission:

Labcorp Genetics (formerly Invitae), Labcorp
Classification: Pathogenic for Juvenile polyposis syndrome. Last evaluated: 2025-05-21. Review status: criteria provided, single submitter. Criteria: Invitae Variant Classification Sherloc (09022015). Collection method: clinical testing. Allele origin: germline.
Comment: This sequence change creates a premature translational stop signal (p.Leu156*) in the BMPR1A gene. It is expected to result in an absent or disrupted protein product. Loss-of-function variants in BMPR1A are known to be pathogenic (PMID: 11536076, 12417513). This variant is not present in population databases (gnomAD no frequency). This variant has not been reported in the literature in individuals affected with BMPR1A-related conditions. For these reasons, this variant has been classified as Pathogenic.

Literature cited by the submitters: PubMed 11536076; PubMed 12417513.